The following is an entry in ClinVar:

NM_012233.3(RAB3GAP1):c.1471C>T (p.Arg491Ter)

Gene: RAB3GAP1 (RAB3 GTPase activating protein catalytic subunit 1; plus strand). Cytogenetic location: 2q21.3.
Variant type: single nucleotide variant.
Coding change: c.1471C>T on transcript NM_012233.3 (MANE Select); coding-DNA position 1471, C replaced by T.
Protein change: p.Arg491Ter; replaces arginine 491 with a stop codon.
Molecular consequence: nonsense.
Genome position (GRCh38, 1-based): chr2:135,134,005, C>T. VCF-style: chr2-135134005-C-T. GRCh37 (hg19) VCF-style: chr2-135891575-C-T.
Other names: c.1471C>T, p.Arg491Ter (NM_001172435.2); short protein forms R491*.
Identifiers: ClinVar variation 521948 (VCV000521948.49), dbSNP rs752667359, ClinGen allele CA1884845.

ClinVar aggregate classification (germline): Pathogenic. Review status: criteria provided, multiple submitters, no conflicts (2 of 4 stars). 5 submissions from 5 submitters: Pathogenic (5). Last evaluated 2025-05-15.

Conditions:
RAB3GAP1-related disorder. Also called: RAB3GAP1-related condition; RAB3GAP1-related disorders.
Inborn genetic diseases. Identifiers: MedGen C0950123, MeSH D030342.

Allele frequency attached by ClinVar (database versions not stated): gnomAD 0.00001; gnomAD exomes 0.00001; ExAC 0.00002; TOPMed 0.00002.
gnomAD v4.1: 19 of 1,613,680 alleles (0.0012%); highest among the groups gnomAD compares: African/African-American, 0.0027%; no homozygotes.

Submissions (5):

GeneDx
Classification: Pathogenic. Last evaluated: 2025-05-15. Review status: criteria provided, single submitter. Criteria: GeneDx Variant Classification Process June 2021. Collection method: clinical testing. Allele origin: germline.
Comment: Nonsense variant predicted to result in protein truncation or nonsense mediated decay in a gene for which loss of function is a known mechanism of disease; This variant is associated with the following publications: (PMID: 25525159, 26852512, 34702808, 20512159, 32740904)

Blueprint Genetics
Classification: Pathogenic for RAB3GAP1-related disorders. Last evaluated: 2024-11-06. Review status: criteria provided, single submitter. Criteria: ACMG Guidelines, 2015. Collection method: clinical testing. Allele origin: germline. Affected: yes. Observed: 5 variant alleles.

Women's Health and Genetics/Laboratory Corporation of America, LabCorp
Classification: Pathogenic for RAB3GAP1-Related Disorders. Last evaluated: 2023-02-27. Review status: criteria provided, single submitter. Criteria: LabCorp Variant Classification Summary - May 2015. Collection method: clinical testing. Allele origin: germline.
Comment: Variant summary: RAB3GAP1 c.1471C>T (p.Arg491X) results in a premature termination codon, predicted to cause a truncation of the encoded protein or absence of the protein due to nonsense mediated decay, which are commonly known mechanisms for disease. Truncations downstream of this position have been classified as pathogenic in ClinVar. The variant allele was found at a frequency of 1.2e-05 in 251374 control chromosomes (gnomAD). c.1471C>T has been reported in the literature in individuals affected with RAB3GAP1-Related Disorders (example: Morris-Rosendahl_2010 and Alavi_2021). These data indicate that the variant is very likely to be associated with disease. Two clinical diagnostic laboratories have submitted clinical-significance assessments for this variant to ClinVar after 2014 and classified the variant as pathogenic. Based on the evidence outlined above, the variant was classified as pathogenic.

CeGaT Center for Human Genetics Tuebingen
Classification: Pathogenic. Last evaluated: 2018-04-01. Review status: criteria provided, single submitter. Criteria: CeGaT Center For Human Genetics Tuebingen Variant Classification Criteria Version 2. Collection method: clinical testing. Allele origin: germline. Affected: yes. Observed: 1 variant allele.

Ambry Genetics
Classification: Pathogenic for Inborn genetic diseases. Last evaluated: 2017-07-20. Review status: criteria provided, single submitter. Criteria: Ambry exome assertion method (8-5-2015). Collection method: clinical testing. Allele origin: germline. Affected: yes. Observed: 1 variant allele.

Literature cited by the submitters: PubMed 34702808 (cited by Women's Health and Genetics/Laboratory Corporation of America, LabCorp); PubMed 20512159 (cited by Women's Health and Genetics/Laboratory Corporation of America, LabCorp and Ambry Genetics).